The following is an entry in ClinVar:

NM_001145715.3(KPNA7):c.152C>T (p.Thr51Met)

Gene: KPNA7 (karyopherin subunit alpha 7; minus strand). Cytogenetic location: 7q22.1.
Variant type: single nucleotide variant.
Coding change: c.152C>T on transcript NM_001145715.3 (MANE Select); coding-DNA position 152, C replaced by T.
Protein change: p.Thr51Met; replaces threonine 51 with methionine.
Molecular consequence: missense variant.
Genome position (GRCh38, 1-based): chr7:99,203,155, G>A on the plus strand (C>T on the coding strand, the complement: KPNA7 is on the minus strand). VCF-style: chr7-99203155-G-A. GRCh37 (hg19) VCF-style: chr7-98800778-G-A.
Other names: short protein forms T51M.
Identifiers: ClinVar variation 665967 (VCV000665967.8), dbSNP rs951473627, ClinGen allele CA163747575.

ClinVar aggregate classification (germline): Uncertain significance. Review status: criteria provided, multiple submitters, no conflicts (2 of 4 stars). 2 submissions from 2 submitters: Uncertain significance (2). Last evaluated 2023-12-22.

Allele frequency attached by ClinVar (database versions not stated): gnomAD exomes 0.00002 and 0.00006; gnomAD 0.00003; TOPMed 0.00006.

Submissions (2):

Ambry Genetics
Classification: Uncertain significance. Last evaluated: 2023-12-22. Review status: criteria provided, single submitter. Criteria: Ambry Variant Classification Scheme 2023. Collection method: clinical testing. Allele origin: germline.

Labcorp Genetics (formerly Invitae), Labcorp
Classification: Uncertain significance. Last evaluated: 2023-10-03. Review status: criteria provided, single submitter. Criteria: Invitae Variant Classification Sherloc (09022015). Collection method: clinical testing. Allele origin: germline.
Comment: This sequence change replaces threonine, which is neutral and polar, with methionine, which is neutral and non-polar, at codon 51 of the KPNA7 protein (p.Thr51Met). This variant is present in population databases (no rsID available, gnomAD 0.008%). This variant has not been reported in the literature in individuals affected with KPNA7-related conditions. ClinVar contains an entry for this variant (Variation ID: 665967). Advanced modeling of protein sequence and biophysical properties (such as structural, functional, and spatial information, amino acid conservation, physicochemical variation, residue mobility, and thermodynamic stability) has been performed at Invitae for this missense variant, however the output from this modeling did not meet the statistical confidence thresholds required to predict the impact of this variant on KPNA7 protein function. In summary, the available evidence is currently insufficient to determine the role of this variant in disease. Therefore, it has been classified as a Variant of Uncertain Significance.